The following is an entry in ClinVar:

ClinVar aggregate classification (germline): Uncertain significance (1 of 4 stars; one submission).

Submission:

GeneDx
Classification: Uncertain significance. Last evaluated: 2024-08-20. Review status: criteria provided, single submitter. Criteria: GeneDx Variant Classification Process June 2021. Collection method: clinical testing. Allele origin: germline. Affected: yes.
Comment: Not observed at significant frequency in large population cohorts (gnomAD); In silico analysis supports that this missense variant has a deleterious effect on protein structure/function; Has not been previously published as pathogenic or benign to our knowledge

NM_001354712.2(THRB):c.1019A>T (p.Gln340Leu)

Gene: THRB (thyroid hormone receptor beta; minus strand). Cytogenetic location: 3p24.2.
Variant type: single nucleotide variant.
Coding change: c.1019A>T on transcript NM_001354712.2 (MANE Select); coding-DNA position 1019, A replaced by T.
Protein change: p.Gln340Leu; replaces glutamine 340 with leucine.
Molecular consequence: missense variant. On other transcripts: intron variant (1).
Genome position (GRCh38, 1-based): chr3:24,127,624, T>A on the plus strand (A>T on the coding strand, the complement: THRB is on the minus strand). VCF-style: chr3-24127624-T-A. GRCh37 (hg19) VCF-style: chr3-24169115-T-A.
Other names: c.1019A>T, p.Gln340Leu (NM_000461.5, NM_001128176.3, NM_001128177.2 and 11 more transcripts); c.926A>T, p.Gln309Leu (NM_001354714.2, NM_001354715.2); c.973+46A>T (NM_001374827.1); short protein forms Q309L, Q340L.
Identifiers: ClinVar variation 3764261 (VCV003764261.1).